The following is an entry in ClinVar:

NM_182977.3(NNT):c.1098+17T>C

Gene: NNT (nicotinamide nucleotide transhydrogenase; plus strand). Cytogenetic location: 5p12.
Variant type: single nucleotide variant.
Coding change: c.1098+17T>C on transcript NM_182977.3 (MANE Select); 17 bases into the intron after coding-DNA position 1098, T replaced by C.
Molecular consequence: intron variant.
Genome position (GRCh38, 1-based): chr5:43,644,342, T>C. VCF-style: chr5-43644342-T-C. GRCh37 (hg19) VCF-style: chr5-43644444-T-C.
Other names: c.1098+17T>C (NM_012343.4); c.705+17T>C (NM_001331026.2).
Identifiers: ClinVar variation 931319 (VCV000931319.13), dbSNP rs16873430, ClinGen allele CA3257884.

ClinVar aggregate classification (germline): Benign. Review status: criteria provided, multiple submitters, no conflicts (2 of 4 stars). 3 submissions from 3 submitters: Benign (3). Last evaluated 2026-01-14.

Conditions:
Glucocorticoid deficiency 4. Also called: Glucocorticoid deficiency 4 with or without mineralocorticoid deficiency. Identifiers: Orphanet 361, MedGen C3553587, MONDO:0013874, OMIM 614736.

Allele frequency attached by ClinVar (database versions not stated): ExAC 0.00308; gnomAD 0.00911 and 0.01000; ESP Exome Variant Server 0.00992; 1000 Genomes Project 0.01038; TOPMed 0.01094; 1000 Genomes Project 30x 0.01124.
gnomAD v4.1: 2,799 of 1,609,430 alleles (0.17%); highest among the groups gnomAD compares: African/African-American, 3.3%; 41 homozygotes.

Submissions (3):

Labcorp Genetics (formerly Invitae), Labcorp
Classification: Benign. Last evaluated: 2026-01-14. Review status: criteria provided, single submitter. Criteria: Invitae Variant Classification Sherloc (09022015). Collection method: clinical testing. Allele origin: germline.

Centre for Mendelian Genomics, University Medical Centre Ljubljana
Classification: Benign for Glucocorticoid deficiency 4. Last evaluated: 2018-11-08. Review status: criteria provided, single submitter. Criteria: ACMG Guidelines, 2015. Collection method: clinical testing. Allele origin: unknown. Affected: yes.
Comment: This variant was classified as: Benign. The following ACMG criteria were applied in classifying this variant: BS1,BS2.

Breakthrough Genomics
Classification: Benign. Review status: criteria provided, single submitter. Criteria: ACMG Guidelines, 2015. Collection method: not provided. Allele origin: germline. Inheritance: Autosomal recessive inheritance. Affected: yes.